The following is an entry in ClinVar:

NC_000002.11:g.(?_110879913)_(110963639_?)del

Gene: NPHP1 (nephrocystin 1; minus strand). Cytogenetic location: 2q13.
Variant type: Deletion.
Identifiers: ClinVar variation 1072531 (VCV001072531.1).

ClinVar aggregate classification (germline): Pathogenic (1 of 4 stars; one submission).

Conditions:
Nephronophthisis. Also called: Juvenile Nephronophthisis. Identifiers: Orphanet 655, MedGen C0687120, MONDO:0019005, HP:0000090.

Submission:

Labcorp Genetics (formerly Invitae), Labcorp
Classification: Pathogenic for Nephronophthisis. Last evaluated: 2020-09-30. Review status: criteria provided, single submitter. Criteria: Invitae Variant Classification Sherloc (09022015). Collection method: clinical testing. Allele origin: germline.
Comment: A gross deletion of the genomic region encompassing the full coding sequence of the NPHP1 gene has been identified. The boundaries of this event are unknown as the deletion extends beyond the assayed region for this gene and therefore may encompass additional genes. Full gene deletions of NPHP1 have been reported in individuals with juvenile nephronophthisis, Bardet-Biedl syndrome, Joubert syndrome, and congenital ocular motor apraxia type Cogan (PMID: 8852662, 10620543, 24746959, 15138899, 10839884). ClinVar contains an entry for this variant (Variation ID: 237627). Loss-of-function variants in NPHP1 are known to be pathogenic (PMID: 23559409). For these reasons, this variant has been classified as Pathogenic.

Literature cited by the submitters: PubMed 8852662; PubMed 10620543; PubMed 24746959; PubMed 15138899; PubMed 10839884; PubMed 23559409.